The following is an entry in ClinVar:

NM_001429.4(EP300):c.5317C>T (p.Arg1773Trp)

Gene: EP300 (EP300 lysine acetyltransferase; plus strand). Cytogenetic location: 22q13.2.
Variant type: single nucleotide variant.
Coding change: c.5317C>T on transcript NM_001429.4 (MANE Select); coding-DNA position 5317, C replaced by T.
Protein change: p.Arg1773Trp; replaces arginine 1773 with tryptophan.
Molecular consequence: missense variant.
Genome position (GRCh38, 1-based): chr22:41,177,028, C>T. VCF-style: chr22-41177028-C-T. GRCh37 (hg19) VCF-style: chr22-41573032-C-T.
Other names: c.5239C>T, p.Arg1747Trp (NM_001362843.2); short protein forms R1773W, R1747W.
Identifiers: ClinVar variation 4992077 (VCV004992077.1).
Genomic context (GRCh38, chr22:41,177,028, plus strand): 5'-TGCTCACTGCCATCCTGCCAGAAGATGAAGCGGGTTGTGCAGCATACCAAGGGTTGCAAA[C>T]GGAAAACCAATGGCGGGTGCCCCATCTGCAAGCAGCTCATTGCCCTCTGCTGCTACCATG-3'
Protein context (NP_001420.2, residues 1763-1783): RVVQHTKGCK[Arg1773Trp]KTNGGCPICK

ClinVar aggregate classification (germline): Uncertain significance (1 of 4 stars; one submission).

Conditions:
EP300-related disorder. Also called: EP300-related condition; EP300-related disorders.

gnomAD v4.1: 9 of 1,614,180 alleles (0.00056%); highest among the groups gnomAD compares: East Asian, 0.0022%; no homozygotes.

Submission:

PreventionGenetics, part of Exact Sciences
Classification: Uncertain significance for EP300-related condition. Last evaluated: 2025-12-01. Review status: criteria provided, single submitter. Criteria: ACMG Guidelines, 2015. Collection method: clinical testing. Allele origin: germline.
Comment: The EP300 c.5317C>T variant is predicted to result in the amino acid substitution p.Arg1773Trp. To our knowledge, this variant has not been reported in the literature. This variant is reported in 0.00088% of alleles in individuals of European (Non-Finnish) descent in gnomAD. At this time, the clinical significance of this variant is uncertain due to the absence of conclusive functional and genetic evidence.